The following is an entry in ClinVar:

NM_001270974.2(HYDIN):c.6561C>T (p.Pro2187=)

Gene: HYDIN (HYDIN axonemal central pair apparatus protein; minus strand). Cytogenetic location: 16q22.2.
Variant type: single nucleotide variant.
Coding change: c.6561C>T on transcript NM_001270974.2 (MANE Select); coding-DNA position 6561, C replaced by T.
Protein change: p.Pro2187=; no amino-acid change (proline 2187 retained).
Molecular consequence: synonymous variant.
Genome position (GRCh38, 1-based): chr16:70,943,920, G>A on the plus strand (C>T on the coding strand, the complement: HYDIN is on the minus strand). VCF-style: chr16-70943920-G-A. GRCh37 (hg19) VCF-style: chr16-70977823-G-A.
Identifiers: ClinVar variation 2646754 (VCV002646754.25), dbSNP rs371050100, ClinGen allele CA8150243.

ClinVar aggregate classification (germline): Likely benign. Review status: criteria provided, multiple submitters, no conflicts (2 of 4 stars). 2 submissions from 2 submitters: Likely benign (2). Last evaluated 2024-07-30.

Allele frequency attached by ClinVar (database versions not stated): gnomAD exomes 0.00006; ExAC 0.00012; 1000 Genomes Project 30x 0.00016; 1000 Genomes Project 0.00020; ESP Exome Variant Server 0.00041; gnomAD 0.00041; TOPMed 0.00052.
gnomAD v4.1: 145 of 1,612,396 alleles (0.009%); highest among the groups gnomAD compares: African/African-American, 0.17%; no homozygotes.

Submissions (2):

Blueprint Genetics
Classification: Likely benign. Last evaluated: 2024-07-30. Review status: criteria provided, single submitter. Criteria: ACMG Guidelines, 2015. Collection method: clinical testing. Allele origin: germline.

CeGaT Center for Human Genetics Tuebingen
Classification: Likely benign. Last evaluated: 2022-06-01. Review status: criteria provided, single submitter. Criteria: CeGaT Center For Human Genetics Tuebingen Variant Classification Criteria Version 2. Collection method: clinical testing. Allele origin: germline. Affected: yes. Observed: 1 variant allele.
Comment: HYDIN: BP4, BP7